The following is an entry in ClinVar:

ClinVar aggregate classification (germline): Benign/Likely benign. Review status: criteria provided, multiple submitters, no conflicts (2 of 4 stars). 3 submissions from 3 submitters: Benign (1); Likely benign (2). Last evaluated 2026-03-10.

Conditions:
FAM20A-related disorder. Also called: FAM20A-related condition.

Allele frequency attached by ClinVar (database versions not stated): 1000 Genomes Project 0.00020; TOPMed 0.00071; 1000 Genomes Project 30x 0.00016; ExAC 0.00030; ESP Exome Variant Server 0.00069; gnomAD exomes 0.00006; gnomAD 0.00060.
gnomAD v4.1: 188 of 1,612,558 alleles (0.012%); highest among the groups gnomAD compares: African/African-American, 0.22%; no homozygotes.

Submissions (3):

PreventionGenetics, part of Exact Sciences
Classification: Likely benign for FAM20A-related condition. Last evaluated: 2026-03-10. Review status: criteria provided, single submitter. Criteria: ACMG Guidelines, 2015. Collection method: clinical testing. Allele origin: germline.
Comment: This variant is classified as likely benign based on ACMG/AMP sequence variant interpretation guidelines (Richards et al. 2015 PMID: 25741868, with internal and published modifications).

Labcorp Genetics (formerly Invitae), Labcorp
Classification: Benign. Last evaluated: 2025-10-29. Review status: criteria provided, single submitter. Criteria: Invitae Variant Classification Sherloc (09022015). Collection method: clinical testing. Allele origin: germline.

CeGaT Center for Human Genetics Tuebingen
Classification: Likely benign. Last evaluated: 2024-09-01. Review status: criteria provided, single submitter. Criteria: CeGaT Center For Human Genetics Tuebingen Variant Classification Criteria Version 2. Collection method: clinical testing. Allele origin: germline. Affected: yes. Observed: 1 variant allele.
Comment: FAM20A: BP4, BP7

NM_017565.4(FAM20A):c.1381T>C (p.Leu461=)

Genes: FAM20A (FAM20A golgi associated secretory pathway pseudokinase; minus strand), PRKAR1A (protein kinase cAMP-dependent type I regulatory subunit alpha; plus strand). Cytogenetic location: 17q24.2.
Variant type: single nucleotide variant.
Coding change: c.1381T>C on transcript NM_017565.4 (MANE Select); coding-DNA position 1381, T replaced by C.
Protein change: p.Leu461=; no amino-acid change (leucine 461 retained).
Molecular consequence: synonymous variant. On other transcripts: non-coding transcript variant (1), intron variant (1).
Genome position (GRCh38, 1-based): chr17:68,537,722, A>G on the plus strand (T>C on the coding strand, the complement: FAM20A is on the minus strand). VCF-style: chr17-68537722-A-G. GRCh37 (hg19) VCF-style: chr17-66533863-A-G.
Other names: c.967T>C, p.Leu323= (NM_001243746.2); c.973+7721A>G (NM_001276290.1).
Identifiers: ClinVar variation 2085866 (VCV002085866.17), dbSNP rs145258230, ClinGen allele CA8729663.